The following is an entry in ClinVar:

NM_001845.6(COL4A1):c.470G>T (p.Gly157Val)

Gene: COL4A1 (collagen type IV alpha 1 chain; minus strand). Cytogenetic location: 13q34.
Variant type: single nucleotide variant.
Coding change: c.470G>T on transcript NM_001845.6 (MANE Select); coding-DNA position 470, G replaced by T.
Protein change: p.Gly157Val; replaces glycine 157 with valine.
Molecular consequence: missense variant.
Genome position (GRCh38, 1-based): chr13:110,210,211, C>A on the plus strand (G>T on the coding strand, the complement: COL4A1 is on the minus strand). VCF-style: chr13-110210211-C-A. GRCh37 (hg19) VCF-style: chr13-110862558-C-A.
Other names: c.470G>T, p.Gly157Val (NM_001303110.2); short protein forms G157V.
Identifiers: ClinVar variation 4993909 (VCV004993909.1).

ClinVar aggregate classification (germline): Uncertain significance (1 of 4 stars; one submission).

Conditions:
COL4A1-related disorder. Also called: COL4A1-related condition; COL4A1-related disorders. Identifiers: MedGen CN376119, MONDO:0800461.

Submission:

PreventionGenetics, part of Exact Sciences
Classification: Uncertain significance for COL4A1-related condition. Last evaluated: 2026-02-12. Review status: criteria provided, single submitter. Criteria: ACMG Guidelines, 2015. Collection method: clinical testing. Allele origin: germline.
Comment: The COL4A1 c.470G>T variant is predicted to result in the amino acid substitution p.Gly157Val. This variant results in a glycine change within exon 9 which falls outside of the conserved triple helical domain (exons 24-49). To our knowledge, this variant has not been reported in the literature or in a large population database (gnomAD), indicating this variant is rare. Although we suspect that this variant may be pathogenic, at this time, the clinical significance of this variant is uncertain due to the absence of conclusive functional and genetic evidence.